The following is an entry in ClinVar:

NM_000070.3(CAPN3):c.1333G>T (p.Gly445Ter)

Gene: CAPN3 (calpain 3; plus strand). Cytogenetic location: 15q15.1.
Variant type: single nucleotide variant.
Coding change: c.1333G>T on transcript NM_000070.3 (MANE Select); coding-DNA position 1333, G replaced by T.
Protein change: p.Gly445Ter; replaces glycine 445 with a stop codon.
Molecular consequence: nonsense.
Genome position (GRCh38, 1-based): chr15:42,399,631, G>T. VCF-style: chr15-42399631-G-T. GRCh37 (hg19) VCF-style: chr15-42691829-G-T.
Other names: NM_173087.2:c.1189G>T; c.1333G>T, p.Gly445Ter (NM_024344.2); c.1189G>T, p.Gly397Ter (NM_173087.2); c.1072G>T, p.Gly358Ter (NM_212464.2); c.*1026G>T (NM_212467.2); short protein forms G358*, G397*, G445*.
Identifiers: ClinVar variation 2412738 (VCV002412738.2), dbSNP rs773827877, ClinGen allele CA391999605.
Genomic context (GRCh38, chr15:42,399,631, plus strand): 5'-AAGCTTCAGACCTGGACAGTGTCTGTGAACGAGGGCCGCTGGGTACGGGGTTGCTCTGCC[G>T]GAGGCTGCCGCAACTTCCCAGGTGGGAGATGCTCTTGATGGGGGGAGGGTCTAAGCCGAA-3'

ClinVar aggregate classification (germline): Pathogenic. Review status: criteria provided, multiple submitters, no conflicts (2 of 4 stars). 2 submissions from 2 submitters: Pathogenic (2). Last evaluated 2025-03-17.

Conditions:
Qualitative or quantitative defects of calpain. Identifiers: Orphanet 207104, MedGen C5680830, MONDO:0016152.

gnomAD v4.1: 1 of 1,605,606 alleles (0.000062%); highest among the groups gnomAD compares: Non-Finnish European, 0.000085%; no homozygotes.

Submissions (2):

Revvity Omics, Revvity
Classification: Pathogenic. Last evaluated: 2025-03-17. Review status: criteria provided, single submitter. Criteria: ACMG Guidelines, 2015. Collection method: clinical testing. Allele origin: germline.

Broad Center for Mendelian Genomics, Broad Institute of MIT and Harvard
Classification: Pathogenic for Qualitative or quantitative defects of calpain. Last evaluated: 2023-01-25. Review status: criteria provided, single submitter. Criteria: ACMG Guidelines, 2015. Collection method: curation. Allele origin: germline. Inheritance: Autosomal recessive inheritance.
Comment: The p.Gly445Ter variant in CAPN3 has not been previously reported in individuals with autosomal recessive limb-girdle muscular dystrophy 1. This variant was absent from large population studies. This nonsense variant leads to a premature termination codon at position 358, which is predicted to lead to a truncated or absent protein. Loss of function of the CAPN3 gene is an established disease mechanism in autosomal recessive limb-girdle muscular dystrophy 1. In summary, this variant meets criteria to be classified as pathogenic for autosomal recessive limb-girdle muscular dystrophy 1. ACMG/AMP Criteria applied: PVS1, PM2_Supporting, PM3_Supporting (Richards 2015).